The following is an entry in ClinVar:

NM_004104.5(FASN):c.6218_6220del (p.Met2073del)

Gene: FASN (fatty acid synthase; minus strand). Cytogenetic location: 17q25.3.
Variant type: Deletion.
Coding change: c.6218_6220del on transcript NM_004104.5 (MANE Select); coding-DNA positions 6218 to 6220, 3 bases deleted (TGA; older notation c.6218_6220delTGA).
Protein change: p.Met2073del; deletes methionine 2073.
Molecular consequence: inframe deletion.
Genome position (GRCh38, 1-based): chr17:82,081,787-82,081,789, TCA deleted on the plus strand (TGA on the coding strand, the reverse complement: FASN is on the minus strand); deleting any 3 consecutive bases within chr17:82,081,787-82,081,791 gives the same sequence; the c. name uses the placement nearest the transcript's 3' end. VCF-style (leftmost placement, unchanged base first): chr17-82081786-CTCA-C. GRCh37 (hg19) VCF-style: chr17-80039662-CTCA-C.
Other names: short protein forms M2073del.
Identifiers: ClinVar variation 1405708 (VCV001405708.6), dbSNP rs752796028, ClinGen allele CA8851364.

ClinVar aggregate classification (germline): Uncertain significance (1 of 4 stars; one submission).

Conditions:
Epileptic encephalopathy. Identifiers: MedGen C0543888, HP:0200134.

Submission:

Labcorp Genetics (formerly Invitae), Labcorp
Classification: Uncertain significance for Epileptic encephalopathy. Last evaluated: 2022-08-09. Review status: criteria provided, single submitter. Criteria: Invitae Variant Classification Sherloc (09022015). Collection method: clinical testing. Allele origin: germline.
Comment: This variant is present in population databases (rs752796028, gnomAD 0.01%). This variant, c.6218_6220del, results in the deletion of 1 amino acid(s) of the FASN protein (p.Met2073del), but otherwise preserves the integrity of the reading frame. This variant has not been reported in the literature in individuals affected with FASN-related conditions. In summary, the available evidence is currently insufficient to determine the role of this variant in disease. Therefore, it has been classified as a Variant of Uncertain Significance. Experimental studies and prediction algorithms are not available or were not evaluated, and the functional significance of this variant is currently unknown. ClinVar contains an entry for this variant (Variation ID: 1405708).